The following is an entry in ClinVar:

NC_000022.10:g.(?_23915453)_(24921762_?)dup

Genes: GSTT1 (glutathione S-transferase theta 1; minus strand), GSTT2 (glutathione S-transferase theta 2 (gene/pseudogene); plus strand), MIF (macrophage migration inhibitory factor; plus strand), ZNF70 (zinc finger protein 70; minus strand), RGL4 (ral guanine nucleotide dissociation stimulator like 4; plus strand) and 18 more. Cytogenetic location: 22q11.23.
Variant type: Duplication.
Identifiers: ClinVar variation 1004379 (VCV001004379.39).

ClinVar aggregate classification (germline): Uncertain significance (1 of 4 stars; one submission).

Submission:

Labcorp Genetics (formerly Invitae), Labcorp
Classification: Uncertain significance. Last evaluated: 2023-11-02. Review status: criteria provided, single submitter. Criteria: Invitae Variant Classification Sherloc (09022015). Collection method: clinical testing. Allele origin: germline.
Comment: A copy number gain of the genomic region encompassing the full coding sequence of the SPECC1L gene has been identified. The boundaries of this event are unknown as they extend beyond the assayed region for this gene and therefore may encompass additional genes. As the precise location of this event is unknown, it may be in tandem or it may be located elsewhere in the genome. This variant has not been reported in the literature in individuals affected with SPECC1L-related conditions. In summary, the available evidence is currently insufficient to determine the role of this variant in disease. Therefore, it has been classified as a Variant of Uncertain Significance.